The following is an entry in ClinVar:

ClinVar aggregate classification (germline): Pathogenic (1 of 4 stars; one submission).

Submission:

Labcorp Genetics (formerly Invitae), Labcorp
Classification: Pathogenic. Last evaluated: 2023-05-26. Review status: criteria provided, single submitter. Criteria: Invitae Variant Classification Sherloc (09022015). Collection method: clinical testing. Allele origin: germline.
Comment: For these reasons, this variant has been classified as Pathogenic. This variant disrupts a region of the PROP1 protein in which other variant(s) (p.Trp194*) have been determined to be pathogenic (PMID: 15941866). This suggests that this is a clinically significant region of the protein, and that variants that disrupt it are likely to be disease-causing. This variant has not been reported in the literature in individuals affected with PROP1-related conditions. This variant is not present in population databases (gnomAD no frequency). This sequence change creates a premature translational stop signal (p.Ser39Thrfs*133) in the PROP1 gene. While this is not anticipated to result in nonsense mediated decay, it is expected to disrupt the last 188 amino acid(s) of the PROP1 protein.

Literature cited by the submitters: PubMed 15941866.

NM_006261.5(PROP1):c.115_116insCCCTGCAGAAGGCACCCTCA (p.Ser39fs)

Gene: PROP1 (PROP paired-like homeobox 1; minus strand). Cytogenetic location: 5q35.3.
Variant type: Insertion.
Coding change: c.115_116insCCCTGCAGAAGGCACCCTCA on transcript NM_006261.5 (MANE Select); coding-DNA positions 115 to 116, CCCTGCAGAAGGCACCCTCA inserted.
Protein change: p.Ser39fs; shifts the reading frame from serine 39.
Molecular consequence: frameshift variant.
Genome position: GRCh38 VCF-style: chr5-177994332-C-CTGAGGGTGCCTTCTGCAGGG. GRCh37 (hg19) VCF-style: chr5-177421333-C-CTGAGGGTGCCTTCTGCAGGG.
Other names: short protein forms S39fs.
Identifiers: ClinVar variation 2732155 (VCV002732155.3), dbSNP rs2113064700, ClinGen allele CA2697546589.
Genomic context (GRCh38, chr5:177,994,332, plus strand): 5'-TGCGGGGAGAACCTTGATCTCCCCCCTCCTGCACCAGGGAGCCTTCTGCAGGGTGGAGCA[C>CTGAGGGTGCCTTCTGCAGGG]TCGAGTCTGAGAACGGAGAGAAGGGAGGGGCGGCTTCTGAGGAGGACGCTCCTCGGTGCT-3'